The following is an entry in ClinVar:

NM_000890.5(KCNJ5):c.937G>A (p.Gly313Ser)

Gene: KCNJ5 (potassium inwardly rectifying channel subfamily J member 5; plus strand). Cytogenetic location: 11q24.3.
Variant type: single nucleotide variant.
Coding change: c.937G>A on transcript NM_000890.5 (MANE Select); coding-DNA position 937, G replaced by A.
Protein change: p.Gly313Ser; replaces glycine 313 with serine.
Molecular consequence: missense variant.
Genome position (GRCh38, 1-based): chr11:128,912,210, G>A. VCF-style: chr11-128912210-G-A. GRCh37 (hg19) VCF-style: chr11-128782105-G-A.
Other names: c.937G>A, p.Gly313Ser (NM_001354169.2); short protein forms G313S.
Identifiers: ClinVar variation 2844346 (VCV002844346.3), dbSNP rs2497725529, ClinGen allele CA383251689.

ClinVar aggregate classification (germline): Uncertain significance (1 of 4 stars; one submission).

Conditions:
Long QT syndrome (LQTS). Identifiers: MedGen C0023976, MeSH D008133, MONDO:0002442. Disease mechanism: loss of function. Inheritance: Various modes of inheritance.

Submission:

Labcorp Genetics (formerly Invitae), Labcorp
Classification: Uncertain significance for Long QT syndrome. Last evaluated: 2023-03-09. Review status: criteria provided, single submitter. Criteria: Invitae Variant Classification Sherloc (09022015). Collection method: clinical testing. Allele origin: germline.
Comment: This variant has not been reported in the literature in individuals affected with KCNJ5-related conditions. An algorithm developed to predict the effect of missense changes on protein structure and function (PolyPhen-2) suggests that this variant is likely to be disruptive. Variants that disrupt the consensus splice site are a relatively common cause of aberrant splicing (PMID: 17576681, 9536098). Algorithms developed to predict the effect of sequence changes on RNA splicing suggest that this variant may disrupt the consensus splice site. In summary, the available evidence is currently insufficient to determine the role of this variant in disease. Therefore, it has been classified as a Variant of Uncertain Significance. This sequence change replaces glycine, which is neutral and non-polar, with serine, which is neutral and polar, at codon 313 of the KCNJ5 protein (p.Gly313Ser). This variant also falls at the last nucleotide of exon 2, which is part of the consensus splice site for this exon. This variant is not present in population databases (gnomAD no frequency).

Literature cited by the submitters: PubMed 17576681; PubMed 9536098.